The following is an entry in ClinVar:

NM_024757.5(EHMT1):c.82G>C (p.Glu28Gln)

Gene: EHMT1 (euchromatic histone lysine methyltransferase 1; plus strand). Cytogenetic location: 9q34.3.
Variant type: single nucleotide variant.
Coding change: c.82G>C on transcript NM_024757.5 (MANE Select); coding-DNA position 82, G replaced by C.
Protein change: p.Glu28Gln; replaces glutamic acid 28 with glutamine.
Molecular consequence: missense variant. On other transcripts: intron variant (2).
Genome position (GRCh38, 1-based): chr9:137,711,027, G>C. VCF-style: chr9-137711027-G-C. GRCh37 (hg19) VCF-style: chr9-140605479-G-C.
Other names: c.82G>C, p.Glu28Gln (NM_001145527.2, NM_001354263.2, NM_001354611.2); c.-8-5599G>C (NM_001354259.2, NM_001354612.2); short protein forms E28Q.
Identifiers: ClinVar variation 946788 (VCV000946788.16), dbSNP rs1342402816, ClinGen allele CA375759751.

ClinVar aggregate classification (germline): Conflicting classifications of pathogenicity. Review status: criteria provided, conflicting classifications (1 of 4 stars). 6 submissions from 6 submitters: Uncertain significance (4); Benign (2). Last evaluated 2025-04-20.

Conditions:
Inborn genetic diseases. Identifiers: MedGen C0950123, MeSH D030342.
Kleefstra syndrome 1 (KLEFS1). Identifiers: Orphanet 261494, MedGen C0795833, MONDO:0027407, OMIM 610253.

gnomAD v4.1: 9 of 1,591,034 alleles (0.00057%); highest among the groups gnomAD compares: Non-Finnish European, 0.00077%; no homozygotes.

Submissions (6):

Labcorp Genetics (formerly Invitae), Labcorp
Classification: Benign for Kleefstra syndrome 1. Last evaluated: 2025-04-20. Review status: criteria provided, single submitter. Criteria: Invitae Variant Classification Sherloc (09022015). Collection method: clinical testing. Allele origin: germline.

Ambry Genetics
Classification: Uncertain significance for Inborn genetic diseases. Last evaluated: 2024-11-15. Review status: criteria provided, single submitter. Criteria: Ambry Variant Classification Scheme 2023. Collection method: clinical testing. Allele origin: germline.

Mendelics
Classification: Benign. Last evaluated: 2022-05-04. Review status: criteria provided, single submitter. Criteria: Mendelics Assertion Criteria 2019. Collection method: clinical testing. Allele origin: germline.

AiLife Diagnostics
Classification: Uncertain significance. Last evaluated: 2021-06-05. Review status: criteria provided, single submitter. Criteria: ACMG Guidelines, 2015. Collection method: clinical testing. Allele origin: germline. Affected: yes. Observed: 1 variant allele.

Laboratorio de Genetica e Diagnostico Molecular, Hospital Israelita Albert Einstein
Classification: Uncertain significance. Last evaluated: 2019-11-01. Review status: criteria provided, single submitter. Criteria: ACMG Guidelines, 2015. Collection method: clinical testing. Allele origin: germline. Affected: yes.
Comment: ACMG classification criteria: PM2

GeneDx
Classification: Uncertain significance. Last evaluated: 2019-06-21. Review status: criteria provided, single submitter. Criteria: GeneDx Variant Classification Process June 2021. Collection method: clinical testing. Allele origin: germline. Affected: yes.
Comment: Not observed in large population cohorts (Lek et al., 2016); In silico analysis, which includes protein predictors and evolutionary conservation, supports that this variant does not alter protein structure/function; Has not been previously published as pathogenic or benign to our knowledge